The following is an entry in ClinVar:

ClinVar aggregate classification (germline): Uncertain significance (1 of 4 stars; one submission).

Submission:

Labcorp Genetics (formerly Invitae), Labcorp
Classification: Uncertain significance. Last evaluated: 2023-10-22. Review status: criteria provided, single submitter. Criteria: Invitae Variant Classification Sherloc (09022015). Collection method: clinical testing. Allele origin: germline.
Comment: This sequence change replaces methionine, which is neutral and non-polar, with leucine, which is neutral and non-polar, at codon 495 of the TBX15 protein (p.Met495Leu). This variant is not present in population databases (gnomAD no frequency). This variant has not been reported in the literature in individuals affected with TBX15-related conditions. An algorithm developed to predict the effect of missense changes on protein structure and function (PolyPhen-2) suggests that this variant is likely to be disruptive. In summary, the available evidence is currently insufficient to determine the role of this variant in disease. Therefore, it has been classified as a Variant of Uncertain Significance.

NM_001330677.2(TBX15):c.1801A>C (p.Met601Leu)

Gene: TBX15 (T-box transcription factor 15; minus strand). Cytogenetic location: 1p12.
Variant type: single nucleotide variant.
Coding change: c.1801A>C on transcript NM_001330677.2 (MANE Select); coding-DNA position 1801, A replaced by C.
Protein change: p.Met601Leu; replaces methionine 601 with leucine.
Molecular consequence: missense variant.
Genome position (GRCh38, 1-based): chr1:118,884,740, T>G on the plus strand (A>C on the coding strand, the complement: TBX15 is on the minus strand). VCF-style: chr1-118884740-T-G. GRCh37 (hg19) VCF-style: chr1-119427363-T-G.
Other names: c.1483A>C, p.Met495Leu (NM_152380.3); short protein forms M601L, M495L.
Identifiers: ClinVar variation 2770665 (VCV002770665.3), dbSNP rs2525937773, ClinGen allele CA341431736.